The following is an entry in ClinVar:

NM_152393.4(KLHL40):c.1395C>A (p.Tyr465Ter)

Gene: KLHL40 (kelch like family member 40; plus strand). Cytogenetic location: 3p22.1.
Variant type: single nucleotide variant.
Coding change: c.1395C>A on transcript NM_152393.4 (MANE Select); coding-DNA position 1395, C replaced by A.
Protein change: p.Tyr465Ter; replaces tyrosine 465 with a stop codon.
Molecular consequence: nonsense.
Genome position (GRCh38, 1-based): chr3:42,688,691, C>A. VCF-style: chr3-42688691-C-A. GRCh37 (hg19) VCF-style: chr3-42730183-C-A.
Other names: short protein forms Y465*.
Identifiers: ClinVar variation 541327 (VCV000541327.7), dbSNP rs139588377, ClinGen allele CA352293926.

ClinVar aggregate classification (germline): Pathogenic (1 of 4 stars; one submission).

Conditions:
Nemaline myopathy 8 (NEM8). Also called: Nemaline myopathy 8, autosomal recessive. Identifiers: Orphanet 171430, MedGen C3809209, MONDO:0014138, OMIM 615348.

Submission:

Labcorp Genetics (formerly Invitae), Labcorp
Classification: Pathogenic for Nemaline myopathy 8. Last evaluated: 2023-10-11. Review status: criteria provided, single submitter. Criteria: Invitae Variant Classification Sherloc (09022015). Collection method: clinical testing. Allele origin: germline.
Comment: This sequence change creates a premature translational stop signal (p.Tyr465*) in the KLHL40 gene. It is expected to result in an absent or disrupted protein product. Loss-of-function variants in KLHL40 are known to be pathogenic (PMID: 23746549). This variant is not present in population databases (gnomAD no frequency). This variant has not been reported in the literature in individuals affected with KLHL40-related conditions. ClinVar contains an entry for this variant (Variation ID: 541327). For these reasons, this variant has been classified as Pathogenic.

Literature cited by the submitters: PubMed 23746549.